The following is an entry in ClinVar:

ClinVar aggregate classification (germline): Uncertain significance (1 of 4 stars; one submission).

Conditions:
Neurodevelopmental disorder. Identifiers: MedGen C1535926, MeSH D065886, MONDO:0700092.

Submission:

Victorian Clinical Genetics Services, Murdoch Childrens Research Institute
Classification: Uncertain significance for Neurodevelopmental disorder. Last evaluated: 2025-05-22. Review status: criteria provided, single submitter. Criteria: ACMG Guidelines, 2015. Collection method: clinical testing. Allele origin: germline.
Comment: This variant is classified as VUS-3A. Evidence in support of pathogenic classification: Variant is absent from gnomAD (v2, v3 and v4); Missense variant predicted to be damaging by in silico tool(s) or highly conserved with a major amino acid change. Additional information: Variant is predicted to result in a missense amino acid change from arginine to proline; This variant is heterozygous; This gene is associated with autosomal dominant disease; Alternative amino acid changes at the same position are present in gnomAD (Highest alelle count: v4: 6 heterozygote(s), 0 homozygote(s)); This variant has no previous evidence of pathogenicity; No published segregation evidence has been identified for this variant; No published functional evidence has been identified for this variant; Other missense variants comparable to the one identified in this case have inconclusive previous evidence for pathogenicity. The p.(Arg180Trp) variant has been classified as a VUS by a clinical laboratory in ClinVar, and the p.(Arg180Gln) variant has been classified as a VUS in the Deafness Variation Database; Variant is not located in an established domain, motif, hotspot or informative constraint region; Loss of function and gain of function are known mechanisms of disease in this gene. Variants predicted to result in nonsense mediated decay are associated with deafness 82 (MIM#82619804). Truncating and missense variants are associated with neurodevelopmental disorder (MONDO:0700092), ATP2B2-related (PMID: 37675773) - Inheritance information for this variant is not currently available in this individual.

Literature cited by the submitters: PubMed 37675773.

NM_001001331.4(ATP2B2):c.539G>C (p.Arg180Pro)

Gene: ATP2B2 (ATPase plasma membrane Ca2+ transporting 2; minus strand). Cytogenetic location: 3p25.3.
Variant type: single nucleotide variant.
Coding change: c.539G>C on transcript NM_001001331.4 (MANE Select); coding-DNA position 539, G replaced by C.
Protein change: p.Arg180Pro; replaces arginine 180 with proline.
Molecular consequence: missense variant.
Genome position (GRCh38, 1-based): chr3:10,402,207, C>G on the plus strand (G>C on the coding strand, the complement: ATP2B2 is on the minus strand). VCF-style: chr3-10402207-C-G. GRCh37 (hg19) VCF-style: chr3-10443891-C-G.
Other names: c.539G>C, p.Arg180Pro (NM_001330611.3, NM_001353564.1, NM_001363862.1 and 3 more transcripts); short protein forms R180P.
Identifiers: ClinVar variation 4531869 (VCV004531869.1).